The following is an entry in ClinVar:

ClinVar aggregate classification (germline): Uncertain significance. Review status: criteria provided, multiple submitters, no conflicts (2 of 4 stars). 4 submissions from 4 submitters: Uncertain significance (4). Last evaluated 2025-01-03.

Conditions:
Inborn genetic diseases. Identifiers: MedGen C0950123, MeSH D030342.
Pituitary adenoma 5, multiple types. Identifiers: MedGen C4539685, MONDO:0054601, OMIM 617540.
Autosomal recessive nonsyndromic hearing loss 12. Also called: DEAFNESS, AUTOSOMAL RECESSIVE 12. Identifiers: Orphanet 90636, MedGen C1832394, MONDO:0011067, OMIM 601386.
Usher syndrome type 1D (USH1D). Also called: USHER SYNDROME, TYPE ID. Identifiers: Orphanet 231169, Orphanet 886, MedGen C1832845, MONDO:0010984, OMIM 601067.

Allele frequency attached by ClinVar (database versions not stated): TOPMed 0.00001; ExAC 0.00003; gnomAD exomes 0.00003; ESP Exome Variant Server 0.00016.
gnomAD v4.1: 39 of 1,613,912 alleles (0.0024%); highest among the groups gnomAD compares: Admixed American, 0.0033%; 1 homozygote.

Submissions (4):

Ambry Genetics
Classification: Uncertain significance for Inborn genetic diseases. Last evaluated: 2025-01-03. Review status: criteria provided, single submitter. Criteria: Ambry Variant Classification Scheme 2023. Collection method: clinical testing. Allele origin: germline.

GeneDx
Classification: Uncertain significance. Last evaluated: 2023-12-04. Review status: criteria provided, single submitter. Criteria: GeneDx Variant Classification Process June 2021. Collection method: clinical testing. Allele origin: germline. Affected: yes.
Comment: In silico analysis supports that this missense variant has a deleterious effect on protein structure/function; Has not been previously published as pathogenic or benign to our knowledge

Labcorp Genetics (formerly Invitae), Labcorp
Classification: Uncertain significance. Last evaluated: 2022-02-04. Review status: criteria provided, single submitter. Criteria: Invitae Variant Classification Sherloc (09022015). Collection method: clinical testing. Allele origin: germline.
Comment: This sequence change replaces arginine, which is basic and polar, with tryptophan, which is neutral and slightly polar, at codon 1811 of the CDH23 protein (p.Arg1811Trp). This variant is present in population databases (rs370391659, gnomAD 0.007%). This variant has not been reported in the literature in individuals affected with CDH23-related conditions. Algorithms developed to predict the effect of missense changes on protein structure and function are either unavailable or do not agree on the potential impact of this missense change (SIFT: "Deleterious"; PolyPhen-2: "Not Available"; Align-GVGD: "Class C0"). In summary, the available evidence is currently insufficient to determine the role of this variant in disease. Therefore, it has been classified as a Variant of Uncertain Significance.

Juno Genomics, Hangzhou Juno Genomics, Inc
Classification: Uncertain significance for Pituitary adenoma 5, multiple types; Autosomal recessive nonsyndromic hearing loss 12; Usher syndrome type 1D. Review status: criteria provided, single submitter. Criteria: ACMG Guidelines, 2015. Collection method: clinical testing. Allele origin: germline.
Comment: Absent from controls (or at extremely low frequency if recessive) in Genome Aggregation Database.

NM_022124.6(CDH23):c.5431C>T (p.Arg1811Trp)

Gene: CDH23 (cadherin related 23; plus strand). Cytogenetic location: 10q22.1.
Variant type: single nucleotide variant.
Coding change: c.5431C>T on transcript NM_022124.6 (MANE Select); coding-DNA position 5431, C replaced by T.
Protein change: p.Arg1811Trp; replaces arginine 1811 with tryptophan.
Molecular consequence: missense variant.
Genome position (GRCh38, 1-based): chr10:71,784,349, C>T. VCF-style: chr10-71784349-C-T. GRCh37 (hg19) VCF-style: chr10-73544106-C-T.
Other names: c.5431C>T (NM_022124.5); short protein forms R1811W.
Identifiers: ClinVar variation 1388137 (VCV001388137.7), dbSNP rs370391659, ClinGen allele CA5545750.